The following is an entry in ClinVar:

NM_013275.6(ANKRD11):c.1639C>T (p.Arg547Trp)

Gene: ANKRD11 (ankyrin repeat domain 11; minus strand). Cytogenetic location: 16q24.3.
Variant type: single nucleotide variant.
Coding change: c.1639C>T on transcript NM_013275.6 (MANE Select); coding-DNA position 1639, C replaced by T.
Protein change: p.Arg547Trp; replaces arginine 547 with tryptophan.
Molecular consequence: missense variant.
Genome position (GRCh38, 1-based): chr16:89,284,903, G>A on the plus strand (C>T on the coding strand, the complement: ANKRD11 is on the minus strand). VCF-style: chr16-89284903-G-A. GRCh37 (hg19) VCF-style: chr16-89351311-G-A.
Other names: c.1639C>T, p.Arg547Trp (NM_001256182.2, NM_001256183.2); short protein forms R547W.
Identifiers: ClinVar variation 2713065 (VCV002713065.3), dbSNP rs1178134024, ClinGen allele CA397164525.

ClinVar aggregate classification (germline): Uncertain significance (1 of 4 stars; one submission).

Conditions:
KBG syndrome (KBGS). Also called: ANKRD11-Related KBG Syndrome. Identifiers: Orphanet 2332, MedGen C0220687, MONDO:0007846, OMIM 148050.

Allele frequency attached by ClinVar (database versions not stated): gnomAD exomes below 0.00001; TOPMed 0.00002.
gnomAD v4.1: 5 of 1,614,162 alleles (0.00031%); highest among the groups gnomAD compares: African/African-American, 0.0027%; no homozygotes.

Submission:

Labcorp Genetics (formerly Invitae), Labcorp
Classification: Uncertain significance for KBG syndrome. Last evaluated: 2025-10-16. Review status: criteria provided, single submitter. Criteria: Invitae Variant Classification Sherloc (09022015). Collection method: clinical testing. Allele origin: germline.
Comment: This sequence change replaces arginine, which is basic and polar, with tryptophan, which is neutral and slightly polar, at codon 547 of the ANKRD11 protein (p.Arg547Trp). This variant is present in population databases (no rsID available, gnomAD 0.01%). This variant has not been reported in the literature in individuals affected with ANKRD11-related conditions. ClinVar contains an entry for this variant (Variation ID: 2713065). Invitae Evidence Modeling of protein sequence and biophysical properties (such as structural, functional, and spatial information, amino acid conservation, physicochemical variation, residue mobility, and thermodynamic stability) indicates that this missense variant is not expected to disrupt ANKRD11 protein function with a negative predictive value of 95%. In summary, the available evidence is currently insufficient to determine the role of this variant in disease. Therefore, it has been classified as a Variant of Uncertain Significance.